The following is an entry in ClinVar:

NC_000007.13:g.(117230494_117231987)_(117232712_117234983)dup

Gene: CFTR (CF transmembrane conductance regulator; plus strand). Cytogenetic location: 7q31.2.
Variant type: Duplication.
Identifiers: ClinVar variation 2682357 (VCV002682357.1).

ClinVar aggregate classification (germline): Likely pathogenic (1 of 4 stars; one submission).

Conditions:
Cystic fibrosis (CF). Also called: MUCOVISCIDOSIS. Identifiers: Orphanet 586, MedGen C0010674, MONDO:0009061, OMIM 219700. Disease mechanism: loss of function.

Submission:

Women's Health and Genetics/Laboratory Corporation of America, LabCorp
Classification: Likely pathogenic for Cystic fibrosis. Last evaluated: 2023-11-07. Review status: criteria provided, single submitter. Criteria: LabCorp Variant Classification Summary - May 2015. Collection method: clinical testing. Allele origin: germline.
Comment: Variant summary: The variant involves the duplication of exon 14 in the CFTR gene. A presumed nomenclature of c.(1766+1_1767-1)_(2490+1_2491-1)dup has been designated for the purposes of this classification. It is assumed to be a tandem duplication in direct orientation (Richardson_GIM_2018, Newman_AJHG_2015). This Copy Number Variant (CNV) is expected to alter the reading frame and predicted to result in a truncation or absence of the encoded protein due to nonsense mediated decay (NMD). The variant was absent in 21694 control chromosomes. The available data on variant occurrences in the general population are insufficient to allow any conclusion about variant significance. To our knowledge, no occurrence of c.(1766+1_1767-1)_(2490+1_2491-1)dup in individuals affected with Cystic Fibrosis and no experimental evidence demonstrating its impact on protein function have been reported. No submitters have cited clinical-significance assessments for this variant to ClinVar after 2014. Based on the evidence outlined above, the variant was classified as likely pathogenic.